The following is an entry in ClinVar:

NM_001330588.2(TPP2):c.3268G>T (p.Val1090Phe)

Gene: TPP2 (tripeptidyl peptidase 2; plus strand). Cytogenetic location: 13q33.1.
Variant type: single nucleotide variant.
Coding change: c.3268G>T on transcript NM_001330588.2 (MANE Select); coding-DNA position 3268, G replaced by T.
Protein change: p.Val1090Phe; replaces valine 1090 with phenylalanine.
Molecular consequence: missense variant. On other transcripts: non-coding transcript variant (1).
Genome position (GRCh38, 1-based): chr13:102,664,822, G>T. VCF-style: chr13-102664822-G-T. GRCh37 (hg19) VCF-style: chr13-103317172-G-T.
Other names: c.3229G>T, p.Val1077Phe (NM_001367947.1, NM_003291.4); short protein forms V1077F, V1090F.
Identifiers: ClinVar variation 3613317 (VCV003613317.2).
Genomic context (GRCh38, chr13:102,664,822, plus strand): 5'-CCTATTTTTTATTATTTCTTTTTTCCTCTCCAGGAACGAATGAAAAGACTTAATGAAATT[G>T]TTGATGCGGCAAATGCTGTTATTTCTCATATAGATCAAACAGCCCTAGCAGTTTATATTG-3'
Protein context (NP_001317517.1, residues 1080-1100): KERMKRLNEI[Val1090Phe]DAANAVISHI

ClinVar aggregate classification (germline): Uncertain significance (1 of 4 stars; one submission).

Conditions:
Evans syndrome, immunodeficiency, and premature immunosenescence associated with tripeptidyl-peptidase II deficiency. Identifiers: MedGen CN231723. Disease mechanism: loss of function.

Submission:

Labcorp Genetics (formerly Invitae), Labcorp
Classification: Uncertain significance for Evans syndrome, immunodeficiency, and premature immunosenescence associated with tripeptidyl-peptidase II deficiency. Last evaluated: 2025-01-10. Review status: criteria provided, single submitter. Criteria: Invitae Variant Classification Sherloc (09022015). Collection method: clinical testing. Allele origin: germline.
Comment: This sequence change replaces valine, which is neutral and non-polar, with phenylalanine, which is neutral and non-polar, at codon 1077 of the TPP2 protein (p.Val1077Phe). This variant is not present in population databases (gnomAD no frequency). This variant has not been reported in the literature in individuals affected with TPP2-related conditions. An algorithm developed to predict the effect of missense changes on protein structure and function (PolyPhen-2) suggests that this variant is likely to be tolerated. In summary, the available evidence is currently insufficient to determine the role of this variant in disease. Therefore, it has been classified as a Variant of Uncertain Significance.